The following is an entry in ClinVar:

ClinVar aggregate classification (germline): Uncertain significance (1 of 4 stars; one submission).

Conditions:
Early-infantile DEE. Also called: Ohtahara syndrome; Early infantile epileptic encephalopathy; Early infantile epileptic encephalopathy with suppression bursts. Identifiers: Orphanet 1934, MedGen C0393706, MONDO:0800491.

Submission:

Labcorp Genetics (formerly Invitae), Labcorp
Classification: Uncertain significance for Early-infantile DEE. Last evaluated: 2022-05-27. Review status: criteria provided, single submitter. Criteria: Invitae Variant Classification Sherloc (09022015). Collection method: clinical testing. Allele origin: germline.
Comment: In summary, the available evidence is currently insufficient to determine the role of this variant in disease. Therefore, it has been classified as a Variant of Uncertain Significance. Variants that disrupt the consensus splice site are a relatively common cause of aberrant splicing (PMID: 17576681, 9536098). Algorithms developed to predict the effect of sequence changes on RNA splicing suggest that this variant may disrupt the consensus splice site. Algorithms developed to predict the effect of missense changes on protein structure and function are either unavailable or do not agree on the potential impact of this missense change (SIFT: "Deleterious"; PolyPhen-2: "Probably Damaging"; Align-GVGD: "Class C15"). This variant has not been reported in the literature in individuals affected with CACNA2D2-related conditions. This variant is not present in population databases (gnomAD no frequency). This sequence change replaces valine, which is neutral and non-polar, with methionine, which is neutral and non-polar, at codon 834 of the CACNA2D2 protein (p.Val834Met). This variant also falls at the last nucleotide of exon 28, which is part of the consensus splice site for this exon.

Literature cited by the submitters: PubMed 17576681; PubMed 9536098.

NM_006030.4(CACNA2D2):c.2500G>A (p.Val834Met)

Genes: CACNA2D2 (calcium voltage-gated channel auxiliary subunit alpha2delta 2; minus strand), LOC101928965 (uncharacterized LOC101928965; plus strand), LOC127898564 (CYB561D2-LOC101928965; plus strand). Cytogenetic location: 3p21.31.
Variant type: single nucleotide variant.
Coding change: c.2500G>A on transcript NM_006030.4 (MANE Select); coding-DNA position 2500, G replaced by A.
Protein change: p.Val834Met; replaces valine 834 with methionine.
Molecular consequence: missense variant.
Genome position (GRCh38, 1-based): chr3:50,367,011, C>T on the plus strand (G>A on the coding strand, the complement: CACNA2D2 is on the minus strand). VCF-style: chr3-50367011-C-T. GRCh37 (hg19) VCF-style: chr3-50404442-C-T.
Other names: c.2500G>A, p.Val834Met (NM_001005505.3, NM_001410768.1); c.2521G>A, p.Val841Met (NM_001174051.3); c.2293G>A, p.Val765Met (NM_001291101.1); short protein forms V765M, V841M, V834M.
Identifiers: ClinVar variation 1999584 (VCV001999584.4), dbSNP rs2470985523, ClinGen allele CA352911403.